The following is an entry in ClinVar:

ClinVar aggregate classification (germline): Uncertain significance. Review status: criteria provided, multiple submitters, no conflicts (2 of 4 stars). 2 submissions from 2 submitters: Uncertain significance (2). Last evaluated 2024-09-02.

Conditions:
Hereditary breast ovarian cancer syndrome. Also called: Hereditary breast and ovarian cancer syndrome; BRCA1- and BRCA2-Associated Hereditary Breast and Ovarian Cancer; Breast and ovarian cancer; Hereditary breast and/or ovarian cancer syndrome; Hereditary breast and ovarian cancer syndrome (HBOC); Hereditary breast and ovarian cancer. Identifiers: Orphanet 145, MedGen C0677776, MeSH D061325, MONDO:0003582. Disease mechanism: loss of function.
Hereditary cancer-predisposing syndrome. Also called: Hereditary neoplastic syndrome; Hereditary Cancer Syndrome; Neoplastic Syndromes, Hereditary; Tumor predisposition. Identifiers: Orphanet 140162, MedGen C0027672, MeSH D009386, MONDO:0015356.

Submissions (2):

Ambry Genetics
Classification: Uncertain significance for Hereditary cancer-predisposing syndrome. Last evaluated: 2024-09-02. Review status: criteria provided, single submitter. Criteria: Ambry Variant Classification Scheme 2023. Collection method: clinical testing. Allele origin: germline.
Comment: The p.K2640M variant (also known as c.7919A>T), located in coding exon 16 of the BRCA2 gene, results from an A to T substitution at nucleotide position 7919. The lysine at codon 2640 is replaced by methionine, an amino acid with similar properties. This amino acid position is conserved. In addition, the in silico prediction for this alteration is inconclusive. Based on the available evidence, the clinical significance of this variant remains unclear.

Labcorp Genetics (formerly Invitae), Labcorp
Classification: Uncertain significance for Hereditary breast ovarian cancer syndrome. Last evaluated: 2021-07-14. Review status: criteria provided, single submitter. Criteria: Invitae Variant Classification Sherloc (09022015). Collection method: clinical testing. Allele origin: germline.
Comment: This sequence change replaces lysine with methionine at codon 2640 of the BRCA2 protein (p.Lys2640Met). The lysine residue is moderately conserved and there is a moderate physicochemical difference between lysine and methionine. This variant is not present in population databases (ExAC no frequency). This variant has not been reported in the literature in individuals affected with BRCA2-related conditions. Advanced modeling of protein sequence and biophysical properties (such as structural, functional, and spatial information, amino acid conservation, physicochemical variation, residue mobility, and thermodynamic stability) performed at Invitae indicates that this missense variant is not expected to disrupt BRCA2 protein function. In summary, the available evidence is currently insufficient to determine the role of this variant in disease. Therefore, it has been classified as a Variant of Uncertain Significance.

NM_000059.4(BRCA2):c.7919A>T (p.Lys2640Met)

Gene: BRCA2 (BRCA2 DNA repair associated; plus strand). Cytogenetic location: 13q13.1.
Variant type: single nucleotide variant.
Coding change: c.7919A>T on transcript NM_000059.4 (MANE Select); coding-DNA position 7919, A replaced by T.
Protein change: p.Lys2640Met; replaces lysine 2640 with methionine.
Molecular consequence: missense variant.
Genome position (GRCh38, 1-based): chr13:32,362,636, A>T. VCF-style: chr13-32362636-A-T. GRCh37 (hg19) VCF-style: chr13-32936773-A-T.
Other names: c.7919A>T (NM_000059.3); short protein forms K2640M.
Identifiers: ClinVar variation 1405588 (VCV001405588.9), dbSNP rs397507394, ClinGen allele CA387747183.
Genomic context (GRCh38, chr13:32,362,636, plus strand): 5'-TTTATAATCACTATAGATGGATCATATGGAAACTGGCAGCTATGGAATGTGCCTTTCCTA[A>T]GGAATTTGCTAATAGATGCCTAAGCCCAGAAAGGGTGCTTCTTCAACTAAAATACAGGCA-3'
Protein context (NP_000050.3, residues 2630-2650): KLAAMECAFP[Lys2640Met]EFANRCLSPE